The following is an entry in ClinVar:

NM_024675.4(PALB2):c.3294G>C (p.Lys1098Asn)

Gene: PALB2 (partner and localizer of BRCA2; minus strand). Cytogenetic location: 16p12.2.
Variant type: single nucleotide variant.
Coding change: c.3294G>C on transcript NM_024675.4 (MANE Select); coding-DNA position 3294, G replaced by C.
Protein change: p.Lys1098Asn; replaces lysine 1098 with asparagine.
Molecular consequence: missense variant. On other transcripts: intron variant (8).
Genome position (GRCh38, 1-based): chr16:23,607,920, C>G on the plus strand (G>C on the coding strand, the complement: PALB2 is on the minus strand). VCF-style: chr16-23607920-C-G. GRCh37 (hg19) VCF-style: chr16-23619241-C-G.
Other names: c.3234G>C, p.Lys1078Asn (NM_001407296.1); c.3222G>C, p.Lys1074Asn (NM_001407297.1); c.3132G>C, p.Lys1044Asn (NM_001407298.1); c.3015G>C, p.Lys1005Asn (NM_001407300.1); c.2409G>C, p.Lys803Asn (NM_001407304.1, NM_001407305.1, NM_001407306.1); c.2247G>C, p.Lys749Asn (NM_001407307.1); c.1506G>C, p.Lys502Asn (NM_001407312.1); c.828G>C, p.Lys276Asn (NM_001407314.1); and 6 more; short protein forms K502N, K749N, K803N, K1044N, K1078N, K1074N, K1005N, K1098N.
Identifiers: ClinVar variation 2587413 (VCV002587413.3), dbSNP rs875989796, ClinGen allele CA395139533.
Genomic context (GRCh38, chr16:23,607,920, plus strand): 5'-TTGCCTGCCAGCCTGCCCTGGAGGAAGACAGTACAGCATCACACCCACGCTGAGAGTCGT[C>G]TTAGGGTTAATCACAATGAGCTGAAACACAGGGCTTCGCAACGACTCACTCTCTTTGGCA-3'
Protein context (NP_078951.2, residues 1088-1108): PVFQLIVINP[Lys1098Asn]TTLSVGVMLY

ClinVar aggregate classification (germline): Uncertain significance. Review status: criteria provided, multiple submitters, no conflicts (2 of 4 stars). 2 submissions from 2 submitters: Uncertain significance (2). Last evaluated 2026-01-05.

Conditions:
Breast-ovarian cancer, familial, susceptibility to, 5 (BROVCA5). Identifiers: MedGen C5830615, MONDO:0957530, OMIM 620442.
Hereditary cancer-predisposing syndrome. Also called: Tumor predisposition; Hereditary Cancer Syndrome; Hereditary neoplastic syndrome; Neoplastic Syndromes, Hereditary. Identifiers: Orphanet 140162, MedGen C0027672, MeSH D009386, MONDO:0015356.

Submissions (2):

KCCC/NGS Laboratory, Kuwait Cancer Control Center
Classification: Uncertain significance for Breast-ovarian cancer, familial, susceptibility to, 5. Last evaluated: 2026-01-05. Review status: criteria provided, single submitter. Criteria: ACMG Guidelines, 2015. Collection method: clinical testing. Allele origin: germline. Inheritance: Autosomal dominant inheritance. Affected: yes.
Comment: supporting evidence is limited at this time, the clinical significance of this alteration remains unclear. Therefore, it has been classified as a Variant of Uncertain Significance.

Ambry Genetics
Classification: Uncertain significance for Hereditary cancer-predisposing syndrome. Last evaluated: 2023-07-16. Review status: criteria provided, single submitter. Criteria: Ambry Variant Classification Scheme 2023. Collection method: clinical testing. Allele origin: germline.
Comment: The p.K1098N variant (also known as c.3294G>C), located in coding exon 12 of the PALB2 gene, results from a G to C substitution at nucleotide position 3294. The lysine at codon 1098 is replaced by asparagine, an amino acid with similar properties. This amino acid position is conserved. In addition, this alteration is predicted to be tolerated by in silico analysis. Since supporting evidence is limited at this time, the clinical significance of this alteration remains unclear.